The following is an entry in ClinVar:

ClinVar aggregate classification (germline): Uncertain significance (1 of 4 stars; one submission).

Conditions:
Cardiovascular phenotype. Identifiers: MedGen CN230736.

Submission:

Ambry Genetics
Classification: Uncertain significance for Cardiovascular phenotype. Last evaluated: 2015-10-05. Review status: criteria provided, single submitter. Criteria: Ambry Autosomal Dominant and X-Linked criteria (10/2015). Collection method: clinical testing. Allele origin: germline. Observed: 1 variant allele.
Comment: There is insufficient or conflicting evidence for classification of this alteration.

NM_000138.5(FBN1):c.5619T>G (p.Tyr1873Ter)

Gene: FBN1 (fibrillin 1; minus strand). Cytogenetic location: 15q21.1.
Variant type: single nucleotide variant.
Coding change: c.5619T>G on transcript NM_000138.5 (MANE Select); coding-DNA position 5619, T replaced by G.
Protein change: p.Tyr1873Ter; replaces tyrosine 1873 with a stop codon.
Molecular consequence: nonsense.
Genome position (GRCh38, 1-based): chr15:48,448,820, A>C on the plus strand (T>G on the coding strand, the complement: FBN1 is on the minus strand). VCF-style: chr15-48448820-A-C. GRCh37 (hg19) VCF-style: chr15-48741017-A-C.
Other names: short protein forms Y1873*.
Identifiers: ClinVar variation 263340 (VCV000263340.3), dbSNP rs886038772, ClinGen allele CA10587815.